The following is an entry in ClinVar:

NM_000059.4(BRCA2):c.4131_4132insTGAGGA (p.Thr1378Ter)

Gene: BRCA2 (BRCA2 DNA repair associated; plus strand). Cytogenetic location: 13q13.1.
Variant type: Insertion.
Coding change: c.4131_4132insTGAGGA on transcript NM_000059.4 (MANE Select); coding-DNA positions 4131 to 4132, TGAGGA inserted.
Protein change: p.Thr1378Ter; replaces threonine 1378 with a stop codon.
Molecular consequence: nonsense.
Genome position: GRCh38 VCF-style: chr13-32338486-C-CTGAGGA. GRCh37 (hg19) VCF-style: chr13-32912623-C-CTGAGGA.
Other names: 1377insXG; 4359ins6; short protein forms T1378*.
Identifiers: ClinVar variation 126037 (VCV000126037.33), dbSNP rs80359429, ClinGen allele CA019572.
Genomic context (GRCh38, chr13:32,338,486, plus strand): 5'-ATTTACTGATCAGCACAACATATGTCTTAAATTATCTGGCCAGTTTATGAAGGAGGGAAA[C>CTGAGGA]ACTCAGATTAAAGAAGATTTGTCAGATTTAACTTTTTTGGAAGTTGCGAAAGCTCAAGAA-3'

ClinVar aggregate classification (germline): Pathogenic. Review status: reviewed by expert panel (3 of 4 stars). 16 submissions from 16 submitters: Pathogenic (1). 15 of the submissions do not count toward it. Last evaluated 2016-10-18.

Conditions:
Wilms tumor 1 (WT1). Also called: Wilms tumor, somatic. Identifiers: Orphanet 654, MedGen CN033288, MONDO:0008679, OMIM 194070.
Prostate cancer. Also called: Malignant tumor of prostate. Identifiers: Orphanet 1331, MedGen C0376358, MONDO:0008315, HP:0012125.
Familial cancer of breast. Also called: BREAST CANCER, FAMILIAL; Hereditary breast cancer; hereditary breast carcinoma. Identifiers: Orphanet 227535, MedGen C0346153, MONDO:0016419, OMIM 114480. Disease mechanism: loss of function.
Fanconi anemia complementation group D1. Also called: BRCA2-Related Fanconi Anemia. Identifiers: Orphanet 319462, MedGen C1838457, MONDO:0011584, OMIM 605724.
Medulloblastoma (MDB). Also called: Medulloblastoma, somatic; MEDULLOBLASTOMA PREDISPOSITION SYNDROME. Identifiers: Orphanet 616, MedGen C0025149, MeSH D008527, MONDO:0007959, OMIM 155255, HP:0002885.
Breast-ovarian cancer, familial, susceptibility to, 2 (BROVCA2). Also called: BRCA2 Hereditary Breast and Ovarian Cancer. Identifiers: Orphanet 145, MedGen C2675520, MONDO:0012933, OMIM 612555. Disease mechanism: loss of function.
Pancreatic cancer, susceptibility to, 2. Identifiers: Orphanet 1333, MedGen C3150546, MONDO:0013235, OMIM 613347.
Glioma susceptibility 3 (GLM3). Also called: Glioblastoma 3. Identifiers: Orphanet 182067, Orphanet 360, MedGen C2751641, MONDO:0013093, OMIM 613029.
Hereditary cancer-predisposing syndrome. Also called: Hereditary Cancer Syndrome; Tumor predisposition; Hereditary neoplastic syndrome; Neoplastic Syndromes, Hereditary. Identifiers: Orphanet 140162, MedGen C0027672, MeSH D009386, MONDO:0015356.
Breast and/or ovarian cancer. Identifiers: MedGen CN221562.
Hereditary breast ovarian cancer syndrome. Also called: Hereditary breast and/or ovarian cancer syndrome; Hereditary breast and ovarian cancer syndrome; Hereditary breast and ovarian cancer syndrome (HBOC); Hereditary breast and ovarian cancer; Breast and ovarian cancer; BRCA1- and BRCA2-Associated Hereditary Breast and Ovarian Cancer. Identifiers: Orphanet 145, MedGen C0677776, MeSH D061325, MONDO:0003582. Disease mechanism: loss of function.

Allele frequency attached by ClinVar (database versions not stated): gnomAD exomes below 0.00001.

Submissions 1 to 11 of 16:

Evidence-based Network for the Interpretation of Germline Mutant Alleles (ENIGMA)
Classification: Pathogenic for Breast-ovarian cancer, familial, susceptibility to, 2. Last evaluated: 2016-10-18. Review status: reviewed by expert panel. Criteria: ENIGMA BRCA1/2 Classification Criteria (2015). Collection method: curation. Allele origin: germline.
Comment: Variant allele predicted to encode a truncated non-functional protein.

Dasa
Classification: Pathogenic for Breast-ovarian cancer, familial, susceptibility to, 2. Last evaluated: 2025-12-26. Review status: criteria provided, single submitter. Criteria: DASA Assertion Criteria. Collection method: clinical testing. Allele origin: germline. Not counted in ClinVar's aggregate classification.
Comment: NM_000059.4(BRCA2):c.4131_4132insTGAGGA (p.Thr1378*) is a nonsense variant in BRCA2 predicted to introduce a premature termination codon and is predicted to result in an absent or altered protein product. Loss of function is an established disease mechanism for BRCA2 (PMID: 16199546; PMID: 17063271; PMID: 25632310). The affected residue or protein region has prior evidence supporting clinical relevance. Also, this variant is rare in population databases. Based on the currently available evidence, this variant is classified as pathogenic.

Labcorp Genetics (formerly Invitae), Labcorp
Classification: Pathogenic for Hereditary breast ovarian cancer syndrome. Last evaluated: 2025-11-16. Review status: criteria provided, single submitter. Criteria: Invitae Variant Classification Sherloc (09022015). Collection method: clinical testing. Allele origin: germline. Not counted in ClinVar's aggregate classification.
Comment: This sequence change creates a premature translational stop signal (p.Thr1378*) in the BRCA2 gene. It is expected to result in an absent or disrupted protein product. Loss-of-function variants in BRCA2 are known to be pathogenic (PMID: 20104584). This variant is not present in population databases (gnomAD no frequency). This premature translational stop signal has been observed in individual(s) with pancreatic ductal adenocarcinoma and a personal and/or family history of breast cancer (PMID: 11890985, 20927582, 23096105, 25896959, 25940717, 27376475). This variant is also known as Ins 4359 (TGAGGA), 4359ins6, or 1377insXG (InsTGAGGA). ClinVar contains an entry for this variant (Variation ID: 126037). For these reasons, this variant has been classified as Pathogenic.

Color Diagnostics, LLC DBA Color Health
Classification: Pathogenic for Hereditary cancer-predisposing syndrome. Last evaluated: 2024-03-11. Review status: criteria provided, single submitter. Criteria: ACMG Guidelines, 2015. Collection method: clinical testing. Allele origin: germline. Not counted in ClinVar's aggregate classification.
Comment: This variant inserts 6 nucleotides in exon 11 of the BRCA2 gene, creating a premature translation stop signal. This variant is expected to result in an absent or non-functional protein product. This variant has been reported in individuals with a personal and/or family history of breast cancer (PMID: 11890985, 25896959, 27376475, 20927582, 23096105, 32438681, 33471991, 34680878), in an individual affected with pancreatic cancer (PMID: 25940717), an individual affected with prostate cancer (PMID: 37240284), and an individual affected with biliary tract cancer (PMID: 32012241). This variant has not been identified in the general population by the Genome Aggregation Database (gnomAD). Loss of BRCA2 function is a known mechanism of disease. Based on the available evidence, this variant is classified as Pathogenic.

Ambry Genetics
Classification: Pathogenic for Hereditary cancer-predisposing syndrome. Last evaluated: 2023-12-28. Review status: criteria provided, single submitter. Criteria: Ambry Variant Classification Scheme 2023. Collection method: clinical testing. Allele origin: germline. Not counted in ClinVar's aggregate classification.
Comment: The c.4131_4132insTGAGGA pathogenic mutation (also known as p.T1378*), located in coding exon 10 of the BRCA2 gene, results from an in-frame TGAGGA insertion between nucleotide positions 4131 and 4132. This changes the amino acid from a threonine to a stop codon within coding exon 10. This mutation (designated as 4359ins6) has been previously reported in a pair of identical female twins with breast cancer (Delgado L et al. Cancer Genet. and Cytogenet. 2002 Feb;133:24-8). This alteration was identified in multiple large, worldwide studies of BRCA1/2 mutation positive families (Rebbeck TR et al. Hum Mutat. 2018 May;39(5):593-620; Laitman Y et al. Hum Mutat. 2019 Nov;40(11):e1-e23; Santonocito C et al. Cancers (Basel). 2020 May 19;12(5):1286.). In addition to the clinical data presented in the literature, this alteration is expected to result in loss of function by premature protein truncation or nonsense-mediated mRNA decay. As such, this alteration is interpreted as a disease-causing mutation.

CHEO Genetics Diagnostic Laboratory, Children's Hospital of Eastern Ontario
Classification: Pathogenic for Breast and/or ovarian cancer. Last evaluated: 2022-09-23. Review status: criteria provided, single submitter. Criteria: ACMG Guidelines, 2015. Collection method: clinical testing. Allele origin: germline. Not counted in ClinVar's aggregate classification.

Baylor Genetics
Classification: Pathogenic for Familial cancer of breast. Last evaluated: 2022-08-10. Review status: criteria provided, single submitter. Criteria: ACMG Guidelines, 2015. Collection method: clinical testing. Allele origin: unknown. Not counted in ClinVar's aggregate classification.

Department of Pathology and Laboratory Medicine, Sinai Health System
Classification: Pathogenic for Pancreatic cancer, susceptibility to, 2. Last evaluated: 2022-08-03. Review status: criteria provided, single submitter. Criteria: ACMG Guidelines, 2015. Collection method: clinical testing. Allele origin: germline. Affected: yes. Not counted in ClinVar's aggregate classification.

Fulgent Genetics
Classification: Pathogenic for Familial cancer of breast; Medulloblastoma; Familial prostate cancer; Wilms tumor 1; Fanconi anemia complementation group D1; Breast-ovarian cancer, familial, susceptibility to, 2; Glioma susceptibility 3; Pancreatic cancer, susceptibility to, 2. Last evaluated: 2022-05-25. Review status: criteria provided, single submitter. Criteria: ACMG Guidelines, 2015. Collection method: clinical testing. Allele origin: unknown. Not counted in ClinVar's aggregate classification.

Mendelics
Classification: Pathogenic for Familial cancer of breast. Last evaluated: 2022-05-04. Review status: criteria provided, single submitter. Criteria: Mendelics Assertion Criteria 2019. Collection method: clinical testing. Allele origin: germline. Not counted in ClinVar's aggregate classification.

Quest Diagnostics Nichols Institute San Juan Capistrano
Classification: Pathogenic. Last evaluated: 2021-09-29. Review status: criteria provided, single submitter. Criteria: Quest Diagnostics criteria. Collection method: clinical testing. Allele origin: unknown. Not counted in ClinVar's aggregate classification.
Comment: This nonsense variant causes the premature termination of BRCA2 protein synthesis. In addition, it has been reported in individuals with personal and/or family history of breast and/or ovarian in the published literature (PMIDs: 11890985 (2002), 23096105 (2012), 25896959 (2015), 27376475 (2016), 31065452 (2019), 32438681 (2020), and 33471991 (2021)). The variant has also been identified in one individual with pancreatic ductal adenocarcinoma (PMID: 25940717 (2015)). Based on the available information, this variant is classified as pathogenic.